The following is an entry in ClinVar:

ClinVar aggregate classification (germline): Likely pathogenic. Review status: criteria provided, multiple submitters, no conflicts (2 of 4 stars). 2 submissions from 2 submitters: Likely pathogenic (2). Last evaluated 2019-04-16.

Conditions:
MYO7A-related disorder. Also called: MYO7A-related disorders.

Allele frequency attached by ClinVar (database versions not stated): gnomAD exomes below 0.00001.
gnomAD v4.1: 1 of 1,611,632 alleles (0.000062%); highest among the groups gnomAD compares: Non-Finnish European, 0.000085%; no homozygotes.

Submissions (2):

Labcorp Genetics (formerly Invitae), Labcorp
Classification: Likely pathogenic. Last evaluated: 2019-04-16. Review status: criteria provided, single submitter. Criteria: Invitae Variant Classification Sherloc (09022015). Collection method: clinical testing. Allele origin: germline.
Comment: This variant is not present in population databases (ExAC no frequency). This sequence change affects a donor splice site in intron 22 of the MYO7A gene. It is expected to disrupt RNA splicing and likely results in an absent or disrupted protein product. This variant has not been reported in the literature in individuals with MYO7A-related conditions. Algorithms developed to predict the effect of sequence changes on RNA splicing suggest that this variant may disrupt the consensus splice site, but this prediction has not been confirmed by published transcriptional studies. Donor and acceptor splice site variants typically lead to a loss of protein function (PMID: 16199547), and loss-of-function variants in MYO7A are known to be pathogenic (PMID: 8900236). In summary, the currently available evidence indicates that the variant is pathogenic, but additional data are needed to prove that conclusively. Therefore, this variant has been classified as Likely Pathogenic.

Blueprint Genetics
Classification: Likely pathogenic for MYO7A-related disorders. Last evaluated: 2019-04-05. Review status: criteria provided, single submitter. Criteria: ACMG Guidelines, 2015. Collection method: clinical testing. Allele origin: germline. Affected: yes. Observed: 1 variant allele.

Literature cited by the submitters: PubMed 16199547 (cited by Labcorp Genetics (formerly Invitae), Labcorp); PubMed 8900236 (cited by Labcorp Genetics (formerly Invitae), Labcorp).

NM_000260.4(MYO7A):c.2694+1G>A

Gene: MYO7A (myosin VIIA; plus strand). Cytogenetic location: 11q13.5.
Variant type: single nucleotide variant.
Coding change: c.2694+1G>A on transcript NM_000260.4 (MANE Select); the canonical splice donor site of the intron after coding-DNA position 2694, G replaced by A.
Molecular consequence: splice donor variant.
Genome position (GRCh38, 1-based): chr11:77,180,482, G>A. VCF-style: chr11-77180482-G-A. GRCh37 (hg19) VCF-style: chr11-76891528-G-A.
Other names: c.2661+1G>A (NM_001369365.1); c.2694+1G>A (NM_001127180.2).
Identifiers: ClinVar variation 849727 (VCV000849727.10), dbSNP rs1955083613, ClinGen allele CA381942603.